The following is an entry in ClinVar:

NM_000760.4(CSF3R):c.1473G>A (p.Lys491=)

Gene: CSF3R (colony stimulating factor 3 receptor; minus strand). Cytogenetic location: 1p34.3.
Variant type: single nucleotide variant.
Coding change: c.1473G>A on transcript NM_000760.4 (MANE Select); coding-DNA position 1473, G replaced by A.
Protein change: p.Lys491=; no amino-acid change (lysine 491 retained).
Molecular consequence: synonymous variant.
Genome position (GRCh38, 1-based): chr1:36,469,653, C>T on the plus strand (G>A on the coding strand, the complement: CSF3R is on the minus strand). VCF-style: chr1-36469653-C-T. GRCh37 (hg19) VCF-style: chr1-36935254-C-T.
Other names: c.1473G>A, p.Lys491= (NM_156039.3, NM_172313.3).
Identifiers: ClinVar variation 4769177 (VCV004769177.1).

ClinVar aggregate classification (germline): Uncertain significance (1 of 4 stars; one submission).

Conditions:
Autosomal recessive severe congenital neutropenia due to CSF3R deficiency. Also called: Neutropenia, severe congenital, 7, autosomal recessive. Identifiers: Orphanet 420702, MedGen C4310764, MONDO:0014865, OMIM 617014.

Submission:

Labcorp Genetics (formerly Invitae), Labcorp
Classification: Uncertain significance for Autosomal recessive severe congenital neutropenia due to CSF3R deficiency. Last evaluated: 2025-12-24. Review status: criteria provided, single submitter. Criteria: Invitae Variant Classification Sherloc (09022015). Collection method: clinical testing. Allele origin: germline.
Comment: This sequence change affects codon 491 of the CSF3R mRNA. It is a 'silent' change, meaning that it does not change the encoded amino acid sequence of the CSF3R protein. It affects a nucleotide within the consensus splice site. This variant is not present in population databases (gnomAD no frequency). This variant has not been reported in the literature in individuals affected with CSF3R-related conditions. Algorithms developed to predict the effect of sequence changes on RNA splicing suggest that this variant is not likely to affect RNA splicing. In summary, the available evidence is currently insufficient to determine the role of this variant in disease. Therefore, it has been classified as a Variant of Uncertain Significance.